The following is an entry in ClinVar:

ClinVar aggregate classification (germline): Uncertain significance. Review status: criteria provided, single submitter (1 of 4 stars). 2 submissions from 2 submitters: Uncertain significance (1). 1 of the submissions does not count toward it. Last evaluated 2022-01-21.

Conditions:
Cystic fibrosis (CF). Also called: MUCOVISCIDOSIS. Identifiers: Orphanet 586, MedGen C0010674, MONDO:0009061, OMIM 219700. Disease mechanism: loss of function.
CFTR-related disorder (CFTR-RD). Also called: CFTR-related disorders; CFTR-related condition. Identifiers: MedGen C5924204, MONDO:7770004.

Allele frequency attached by ClinVar (database versions not stated): gnomAD exomes 0.00001 and below 0.00001; TOPMed 0.00001.
gnomAD v4.1: 1 of 1,609,116 alleles (0.000062%); highest among the groups gnomAD compares: East Asian, 0.0022%; no homozygotes.

Submissions (2):

Labcorp Genetics (formerly Invitae), Labcorp
Classification: Uncertain significance for Cystic fibrosis. Last evaluated: 2022-01-21. Review status: criteria provided, single submitter. Criteria: Invitae Variant Classification Sherloc (09022015). Collection method: clinical testing. Allele origin: germline.
Comment: This sequence change replaces cysteine, which is neutral and slightly polar, with tryptophan, which is neutral and slightly polar, at codon 1410 of the CFTR protein (p.Cys1410Trp). This variant is present in population databases (no rsID available, gnomAD 0.01%). This variant has not been reported in the literature in individuals affected with CFTR-related conditions. ClinVar contains an entry for this variant (Variation ID: 577321). Algorithms developed to predict the effect of missense changes on protein structure and function are either unavailable or do not agree on the potential impact of this missense change (SIFT: "Deleterious"; PolyPhen-2: "Possibly Damaging"; Align-GVGD: "Class C15"). In summary, the available evidence is currently insufficient to determine the role of this variant in disease. Therefore, it has been classified as a Variant of Uncertain Significance.

Natera, Inc.
Classification: Uncertain significance for CFTR-related disorders. Last evaluated: 2018-09-25. Review status: no assertion criteria provided. Collection method: clinical testing. Allele origin: germline. Not counted in ClinVar's aggregate classification.

NM_000492.4(CFTR):c.4230C>G (p.Cys1410Trp)

Gene: CFTR (CF transmembrane conductance regulator; plus strand). Cytogenetic location: 7q31.2.
Variant type: single nucleotide variant.
Coding change: c.4230C>G on transcript NM_000492.4 (MANE Select); coding-DNA position 4230, C replaced by G.
Protein change: p.Cys1410Trp; replaces cysteine 1410 with tryptophan.
Molecular consequence: missense variant.
Genome position (GRCh38, 1-based): chr7:117,665,552, C>G. VCF-style: chr7-117665552-C-G. GRCh37 (hg19) VCF-style: chr7-117305606-C-G.
Other names: short protein forms C1410W.
Identifiers: ClinVar variation 577321 (VCV000577321.7), dbSNP rs1165501753, ClinGen allele CA368983789.